The following is an entry in ClinVar:

NM_025074.7(FRAS1):c.1960+2T>A

Gene: FRAS1 (Fraser extracellular matrix complex subunit 1; plus strand). Cytogenetic location: 4q21.21.
Variant type: single nucleotide variant.
Coding change: c.1960+2T>A on transcript NM_025074.7 (MANE Select); the canonical splice donor site of the intron after coding-DNA position 1960, T replaced by A.
Molecular consequence: splice donor variant.
Genome position (GRCh38, 1-based): chr4:78,317,510, T>A. VCF-style: chr4-78317510-T-A. GRCh37 (hg19) VCF-style: chr4-79238664-T-A.
Other names: c.1960+2T>A (NM_001166133.2).
Identifiers: ClinVar variation 2695933 (VCV002695933.3), dbSNP rs1222852478, ClinGen allele CA357368398.
Genomic context (GRCh38, chr4:78,317,510, plus strand): 5'-AGGCCACTGTCTGCCCCGCTGTGGAGAGGGTTTCTACTCTGACCATGGAGTCTGCAAAGG[T>A]ATCGTTGGTGTCACCATCATTCTTGAGAGGCTATCCCACAAGAACATAGATTTACTTTTT-3'

ClinVar aggregate classification (germline): Likely pathogenic (1 of 4 stars; one submission).

Submission:

Labcorp Genetics (formerly Invitae), Labcorp
Classification: Likely pathogenic. Last evaluated: 2023-11-14. Review status: criteria provided, single submitter. Criteria: Invitae Variant Classification Sherloc (09022015). Collection method: clinical testing. Allele origin: germline.
Comment: This sequence change affects a donor splice site in intron 17 of the FRAS1 gene. It is expected to disrupt RNA splicing. Variants that disrupt the donor or acceptor splice site typically lead to a loss of protein function (PMID: 16199547), and loss-of-function variants in FRAS1 are known to be pathogenic (PMID: 12766769, 18671281). This variant is present in population databases (no rsID available, gnomAD 0.0009%). This variant has not been reported in the literature in individuals affected with FRAS1-related conditions. Algorithms developed to predict the effect of sequence changes on RNA splicing suggest that this variant may disrupt the consensus splice site. In summary, the currently available evidence indicates that the variant is pathogenic, but additional data are needed to prove that conclusively. Therefore, this variant has been classified as Likely Pathogenic.

Literature cited by the submitters: PubMed 16199547; PubMed 12766769; PubMed 18671281.